The following is an entry in ClinVar:

NM_004364.5(CEBPA):c.318T>G (p.Phe106Leu)

Gene: CEBPA (CCAAT enhancer binding protein alpha; minus strand). Cytogenetic location: 19q13.11.
Variant type: single nucleotide variant.
Coding change: c.318T>G on transcript NM_004364.5 (MANE Select); coding-DNA position 318, T replaced by G.
Protein change: p.Phe106Leu; replaces phenylalanine 106 with leucine.
Molecular consequence: missense variant. On other transcripts: 5 prime UTR variant (1).
Genome position (GRCh38, 1-based): chr19:33,302,097, A>C on the plus strand (T>G on the coding strand, the complement: CEBPA is on the minus strand). VCF-style: chr19-33302097-A-C. GRCh37 (hg19) VCF-style: chr19-33793003-A-C.
Other names: c.-40T>G (NM_001285829.2); c.423T>G, p.Phe141Leu (NM_001287424.2); c.276T>G, p.Phe92Leu (NM_001287435.2); c.318T>G (NM_004364.3); short protein forms F141L, F106L, F92L.
Identifiers: ClinVar variation 1514445 (VCV001514445.7), dbSNP rs1555742225, ClinGen allele CA405275200.
Genomic context (GRCh38, chr19:33,302,097, plus strand): 5'-CCCGTGCGCTCCCCCGGGCATGACGGCGCCGCCGGGGCCCGCGGGCGCGCCCGGGTAGTC[A>C]AAGTCGCCGCCGCCGCCGCCGCCCGTGGGGCCCACGGCCGCCTTGGCCTTCTCCTGCTGC-3'
Protein context (NP_004355.2, residues 96-116): GPTGGGGGGD[Phe106Leu]DYPGAPAGPG

ClinVar aggregate classification (germline): Uncertain significance. Review status: criteria provided, multiple submitters, no conflicts (2 of 4 stars). 2 submissions from 2 submitters: Uncertain significance (2). Last evaluated 2025-05-17.

Conditions:
Inborn genetic diseases. Identifiers: MedGen C0950123, MeSH D030342.
Acute myeloid leukemia (AML). Also called: Leukemia, acute myeloid, somatic; Leukemia, acute myelogenous, somatic; Acute myeloid leukemia, adult; AML adult; Acute non-lymphocytic leukemia; Acute granulocytic leukemia. Identifiers: Orphanet 519, MedGen C0023467, MeSH D015470, MONDO:0018874, OMIM 601626, HP:0004808. Disease mechanism: Constitutively activated FLT3.

Submissions (2):

Ambry Genetics
Classification: Uncertain significance for Inborn genetic diseases. Last evaluated: 2025-05-17. Review status: criteria provided, single submitter. Criteria: Ambry Variant Classification Scheme 2023. Collection method: clinical testing. Allele origin: germline.
Comment: The p.F106L variant (also known as c.318T>G), located in coding exon 1 of the CEBPA gene, results from a T to G substitution at nucleotide position 318. The phenylalanine at codon 106 is replaced by leucine, an amino acid with highly similar properties. This amino acid position is conserved. In addition, this alteration is predicted to be tolerated by in silico analysis. Based on the available evidence, the clinical significance of this variant remains unclear.

Labcorp Genetics (formerly Invitae), Labcorp
Classification: Uncertain significance for Acute myeloid leukemia. Last evaluated: 2021-08-22. Review status: criteria provided, single submitter. Criteria: Invitae Variant Classification Sherloc (09022015). Collection method: clinical testing. Allele origin: germline.
Comment: Algorithms developed to predict the effect of missense changes on protein structure and function (SIFT, PolyPhen-2, Align-GVGD) all suggest that this variant is likely to be tolerated. This variant has not been reported in the literature in individuals affected with CEBPA-related conditions. The frequency data for this variant in the population databases is considered unreliable, as metrics indicate insufficient coverage at this position in the ExAC database. This sequence change replaces phenylalanine with leucine at codon 106 of the CEBPA protein (p.Phe106Leu). The phenylalanine residue is moderately conserved and there is a small physicochemical difference between phenylalanine and leucine. In summary, the available evidence is currently insufficient to determine the role of this variant in disease. Therefore, it has been classified as a Variant of Uncertain Significance.